The following is an entry in ClinVar:

NM_018714.3(COG1):c.1826A>C (p.His609Pro)

Gene: COG1 (component of oligomeric golgi complex 1; plus strand). Cytogenetic location: 17q25.1.
Variant type: single nucleotide variant.
Coding change: c.1826A>C on transcript NM_018714.3 (MANE Select); coding-DNA position 1826, A replaced by C.
Protein change: p.His609Pro; replaces histidine 609 with proline.
Molecular consequence: missense variant.
Genome position (GRCh38, 1-based): chr17:73,201,653, A>C. VCF-style: chr17-73201653-A-C. GRCh37 (hg19) VCF-style: chr17-71197792-A-C.
Other names: short protein forms H609P.
Identifiers: ClinVar variation 2210711 (VCV002210711.3), dbSNP rs865872004, ClinGen allele CA293804447.
Genomic context (GRCh38, chr17:73,201,653, plus strand): 5'-TACAGAGCATTGAAGAGGGTGTGCAAGGGCAACAGGATGCCCTCAACAGTGCCAAGCTGC[A>C]CTCAGTTCTTTTCATGGCCAGACTCTGCCAGTCCCTGGGAGAGCTGTGCCCCCATCTGAA-3'
Protein context (NP_061184.1, residues 599-619): QQDALNSAKL[His609Pro]SVLFMARLCQ

ClinVar aggregate classification (germline): Uncertain significance. Review status: criteria provided, multiple submitters, no conflicts (2 of 4 stars). 2 submissions from 2 submitters: Uncertain significance (2). Last evaluated 2023-11-22.

Conditions:
Inborn genetic diseases. Identifiers: MedGen C0950123, MeSH D030342.
COG1 congenital disorder of glycosylation (CDG2G). Also called: CONGENITAL DISORDER OF GLYCOSYLATION, TYPE IIg; CDG IIg; CDGII/COG1 CEREBROCOSTOMANDIBULAR-LIKE SYNDROME. Identifiers: Orphanet 263508, MedGen C2931011, MONDO:0012637, OMIM 611209.

Allele frequency attached by ClinVar (database versions not stated): gnomAD exomes below 0.00001; gnomAD 0.00001.

Submissions (2):

Labcorp Genetics (formerly Invitae), Labcorp
Classification: Uncertain significance for COG1 congenital disorder of glycosylation. Last evaluated: 2023-11-22. Review status: criteria provided, single submitter. Criteria: Invitae Variant Classification Sherloc (09022015). Collection method: clinical testing. Allele origin: germline.
Comment: This sequence change replaces histidine, which is basic and polar, with proline, which is neutral and non-polar, at codon 609 of the COG1 protein (p.His609Pro). This variant is not present in population databases (gnomAD no frequency). This variant has not been reported in the literature in individuals affected with COG1-related conditions. ClinVar contains an entry for this variant (Variation ID: 2210711). Advanced modeling of protein sequence and biophysical properties (such as structural, functional, and spatial information, amino acid conservation, physicochemical variation, residue mobility, and thermodynamic stability) performed at Invitae indicates that this missense variant is not expected to disrupt COG1 protein function with a negative predictive value of 80%. In summary, the available evidence is currently insufficient to determine the role of this variant in disease. Therefore, it has been classified as a Variant of Uncertain Significance.

Ambry Genetics
Classification: Uncertain significance for Inborn genetic diseases. Last evaluated: 2021-10-12. Review status: criteria provided, single submitter. Criteria: Ambry Variant Classification Scheme 2023. Collection method: clinical testing. Allele origin: germline.